The following is an entry in ClinVar:

ClinVar aggregate classification (germline): Likely pathogenic (1 of 4 stars; one submission).

Conditions:
COQ2-related disorder. Also called: COQ2-related condition.

Submission:

PreventionGenetics, part of Exact Sciences
Classification: Likely pathogenic for COQ2-related condition. Last evaluated: 2026-01-13. Review status: criteria provided, single submitter. Criteria: ACMG Guidelines, 2015. Collection method: clinical testing. Allele origin: germline.
Comment: The COQ2 c.500_504del5 variant is predicted to result in a frameshift and premature protein termination (p.Thr167Serfs*12). To our knowledge, this variant has not been reported in the literature or in a large population database (gnomAD), indicating this variant is rare. Frameshift variants in COQ2 are expected to be pathogenic. This variant is interpreted as likely pathogenic.

NM_001358921.2(COQ2):c.350_354del (p.Thr117fs)

Gene: COQ2 (coenzyme Q2, polyprenyltransferase; minus strand). Cytogenetic location: 4q21.23.
Variant type: Deletion.
Coding change: c.350_354del on transcript NM_001358921.2 (MANE Select); coding-DNA positions 350 to 354, 5 bases deleted (CTGGA; older notation c.350_354delCTGGA).
Protein change: p.Thr117fs; shifts the reading frame from threonine 117.
Molecular consequence: frameshift variant.
Genome position (GRCh38, 1-based): chr4:83,279,014-83,279,018, TCCAG deleted on the plus strand (CTGGA on the coding strand, the reverse complement: COQ2 is on the minus strand); deleting any 5 consecutive bases within chr4:83,279,014-83,279,019 gives the same sequence; the c. name uses the placement nearest the transcript's 3' end. VCF-style (leftmost placement, unchanged base first): chr4-83279013-CTCCAG-C. GRCh37 (hg19) VCF-style: chr4-84200166-CTCCAG-C.
Other names: c.500_504del, p.Thr167fs (NM_015697.9); short protein forms T117fs, T167fs.
Identifiers: ClinVar variation 4985463 (VCV004985463.1).